The following is an entry in ClinVar:

NM_001374828.1(ARID1B):c.416G>A (p.Gly139Asp)

Genes: ARID1B (AT-rich interaction domain 1B; plus strand), LOC115308161 (uncharacterized LOC115308161; minus strand), LOC129997524 (ATAC-STARR-seq lymphoblastoid silent region 17711; plus strand). Cytogenetic location: 6q25.3.
Variant type: single nucleotide variant.
Coding change: c.416G>A on transcript NM_001374828.1 (MANE Select); coding-DNA position 416, G replaced by A.
Protein change: p.Gly139Asp; replaces glycine 139 with aspartic acid.
Molecular consequence: missense variant.
Genome position (GRCh38, 1-based): chr6:156,778,096, G>A. VCF-style: chr6-156778096-G-A. GRCh37 (hg19) VCF-style: chr6-157099230-G-A.
Other names: c.167G>A, p.Gly56Asp (NM_001346813.1, NM_020732.3); c.416G>A, p.Gly139Asp (NM_001371656.1, NM_001374820.1, NM_017519.3); c.-8G>A (NM_175863.2); short protein forms G139D, G56D.
Identifiers: ClinVar variation 2793967 (VCV002793967.3), dbSNP rs1180067937, ClinGen allele CA366381259.

ClinVar aggregate classification (germline): Uncertain significance (1 of 4 stars; one submission).

gnomAD v4.1: 1 of 1,540,382 alleles (0.000065%); highest among the groups gnomAD compares: Non-Finnish European, 0.000087%; no homozygotes.

Submission:

Labcorp Genetics (formerly Invitae), Labcorp
Classification: Uncertain significance. Last evaluated: 2023-10-13. Review status: criteria provided, single submitter. Criteria: Invitae Variant Classification Sherloc (09022015). Collection method: clinical testing. Allele origin: germline.
Comment: This sequence change replaces glycine, which is neutral and non-polar, with aspartic acid, which is acidic and polar, at codon 56 of the ARID1B protein (p.Gly56Asp). This variant is not present in population databases (gnomAD no frequency). This variant has not been reported in the literature in individuals affected with ARID1B-related conditions. Experimental studies and prediction algorithms are not available or were not evaluated, and the functional significance of this variant is currently unknown. In summary, the available evidence is currently insufficient to determine the role of this variant in disease. Therefore, it has been classified as a Variant of Uncertain Significance.